The following is an entry in ClinVar:

ClinVar aggregate classification (germline): Uncertain significance. Review status: criteria provided, multiple submitters, no conflicts (2 of 4 stars). 2 submissions from 2 submitters: Uncertain significance (2). Last evaluated 2024-07-03.

Conditions:
Hereditary cancer-predisposing syndrome. Also called: Hereditary neoplastic syndrome; Hereditary Cancer Syndrome; Tumor predisposition; Neoplastic Syndromes, Hereditary. Identifiers: Orphanet 140162, MedGen C0027672, MeSH D009386, MONDO:0015356.
Neuroblastoma, susceptibility to, 3. Also called: ALK-Related Neuroblastic Tumor Susceptibility. Identifiers: Orphanet 635, MedGen C2751681, MONDO:0013083, OMIM 613014.

Submissions (2):

Ambry Genetics
Classification: Uncertain significance for Hereditary cancer-predisposing syndrome. Last evaluated: 2024-07-03. Review status: criteria provided, single submitter. Criteria: Ambry Variant Classification Scheme 2023. Collection method: clinical testing. Allele origin: germline.
Comment: The p.S1172C variant (also known as c.3514A>T), located in coding exon 22 of the ALK gene, results from an A to T substitution at nucleotide position 3514. The serine at codon 1172 is replaced by cysteine, an amino acid with dissimilar properties. This amino acid position is conserved. In addition, the in silico prediction for this alteration is inconclusive. Based on the available evidence, the clinical significance of this variant remains unclear.

Labcorp Genetics (formerly Invitae), Labcorp
Classification: Uncertain significance for Neuroblastoma, susceptibility to, 3. Last evaluated: 2019-11-15. Review status: criteria provided, single submitter. Criteria: Invitae Variant Classification Sherloc (09022015). Collection method: clinical testing. Allele origin: germline.
Comment: This sequence change replaces serine with cysteine at codon 1172 of the ALK protein (p.Ser1172Cys). The serine residue is highly conserved and there is a moderate physicochemical difference between serine and cysteine. This variant is not present in population databases (ExAC no frequency). This variant has not been reported in the literature in individuals with ALK-related conditions. Algorithms developed to predict the effect of missense changes on protein structure and function (SIFT, PolyPhen-2, Align-GVGD) all suggest that this variant is likely to be disruptive, but these predictions have not been confirmed by published functional studies and their clinical significance is uncertain. Algorithms developed to predict the effect of sequence changes on RNA splicing suggest that this variant may disrupt the consensus splice site, but this prediction has not been confirmed by published transcriptional studies. In summary, the available evidence is currently insufficient to determine the role of this variant in disease. Therefore, it has been classified as a Variant of Uncertain Significance.

NM_004304.5(ALK):c.3514A>T (p.Ser1172Cys)

Gene: ALK (ALK receptor tyrosine kinase; minus strand). Cytogenetic location: 2p23.2.
Variant type: single nucleotide variant.
Coding change: c.3514A>T on transcript NM_004304.5 (MANE Select); coding-DNA position 3514, A replaced by T.
Protein change: p.Ser1172Cys; replaces serine 1172 with cysteine.
Molecular consequence: missense variant.
Genome position (GRCh38, 1-based): chr2:29,222,345, T>A on the plus strand (A>T on the coding strand, the complement: ALK is on the minus strand). VCF-style: chr2-29222345-T-A. GRCh37 (hg19) VCF-style: chr2-29445211-T-A.
Other names: c.310A>T, p.Ser104Cys (NM_001353765.2); short protein forms S1172C, S104C.
Identifiers: ClinVar variation 965082 (VCV000965082.10), dbSNP rs1669825339, ClinGen allele CA346462870.